The following is an entry in ClinVar:

NM_004357.5(CD151):c.502G>A (p.Glu168Lys)

Gene: CD151 (CD151 molecule (Raph blood group); plus strand). Cytogenetic location: 11p15.5.
Variant type: single nucleotide variant.
Coding change: c.502G>A on transcript NM_004357.5 (MANE Select); coding-DNA position 502, G replaced by A.
Protein change: p.Glu168Lys; replaces glutamic acid 168 with lysine.
Molecular consequence: missense variant.
Genome position (GRCh38, 1-based): chr11:837,505, G>A. VCF-style: chr11-837505-G-A. GRCh37 (hg19) VCF-style: chr11-837505-G-A.
Other names: c.502G>A, p.Glu168Lys (NM_001039490.2, NM_139029.2, NM_139030.4); short protein forms E168K.
Identifiers: ClinVar variation 2761105 (VCV002761105.3), dbSNP rs2495983738, ClinGen allele CA378995431.

ClinVar aggregate classification (germline): Uncertain significance (1 of 4 stars; one submission).

Submission:

Labcorp Genetics (formerly Invitae), Labcorp
Classification: Uncertain significance. Last evaluated: 2023-09-17. Review status: criteria provided, single submitter. Criteria: Invitae Variant Classification Sherloc (09022015). Collection method: clinical testing. Allele origin: germline.
Comment: This variant is not present in population databases (gnomAD no frequency). This sequence change replaces glutamic acid, which is acidic and polar, with lysine, which is basic and polar, at codon 168 of the CD151 protein (p.Glu168Lys). This variant has not been reported in the literature in individuals affected with CD151-related conditions. In summary, the available evidence is currently insufficient to determine the role of this variant in disease. Therefore, it has been classified as a Variant of Uncertain Significance. Algorithms developed to predict the effect of sequence changes on RNA splicing suggest that this variant may create or strengthen a splice site. An algorithm developed to predict the effect of missense changes on protein structure and function (PolyPhen-2) suggests that this variant is likely to be tolerated.